The following is an entry in ClinVar:

ClinVar aggregate classification (germline): Uncertain significance. Review status: criteria provided, multiple submitters, no conflicts (2 of 4 stars). 2 submissions from 2 submitters: Uncertain significance (2). Last evaluated 2019-01-14.

Conditions:
Cardiovascular phenotype. Identifiers: MedGen CN230736.

Allele frequency attached by ClinVar (database versions not stated): gnomAD exomes below 0.00001; gnomAD 0.00001; TOPMed 0.00001; ESP Exome Variant Server 0.00008.
gnomAD v4.1: 4 of 1,613,118 alleles (0.00025%); highest among the groups gnomAD compares: East Asian, 0.0022%; no homozygotes.

Submissions (2):

Ambry Genetics
Classification: Uncertain significance for Cardiovascular phenotype. Last evaluated: 2019-01-14. Review status: criteria provided, single submitter. Criteria: Ambry Variant Classification Scheme 2023. Collection method: clinical testing. Allele origin: germline.
Comment: The p.K23328E variant (also known as c.69982A>G), located in coding exon 175 of the TTN gene, results from an A to G substitution at nucleotide position 69982. The lysine at codon 23328 is replaced by glutamic acid, an amino acid with similar properties. This amino acid position is well conserved in available vertebrate species. In addition, this alteration is predicted to be tolerated by in silico analysis. Since supporting evidence is limited at this time, the clinical significance of this alteration remains unclear.

Athena Diagnostics
Classification: Uncertain significance. Last evaluated: 2017-04-27. Review status: criteria provided, single submitter. Criteria: Athena Diagnostics Criteria. Collection method: clinical testing. Allele origin: germline.

NM_001267550.2(TTN):c.97177A>G (p.Lys32393Glu)

Genes: TTN (titin; minus strand), TTN-AS1 (TTN antisense RNA 1; plus strand), LOC129935186 (ATAC-STARR-seq lymphoblastoid active region 16811; plus strand). Cytogenetic location: 2q31.2.
Variant type: single nucleotide variant.
Coding change: c.97177A>G on transcript NM_001267550.2 (MANE Select); coding-DNA position 97177, A replaced by G.
Protein change: p.Lys32393Glu; replaces lysine 32393 with glutamic acid.
Molecular consequence: missense variant.
Genome position (GRCh38, 1-based): chr2:178,542,677, T>C on the plus strand (A>G on the coding strand, the complement: TTN is on the minus strand). VCF-style: chr2-178542677-T-C. GRCh37 (hg19) VCF-style: chr2-179407404-T-C.
Other names: c.97177A>G (LRG_391t1); c.92254A>G, p.Lys30752Glu (NM_001256850.1); c.69982A>G, p.Lys23328Glu (NM_003319.4); c.89473A>G, p.Lys29825Glu (NM_133378.4); c.70357A>G, p.Lys23453Glu (NM_133432.3); c.70558A>G, p.Lys23520Glu (NM_133437.4); short protein forms K32393E, K30752E, K29825E, K23328E, K23453E, K23520E.
Identifiers: ClinVar variation 448837 (VCV000448837.3), dbSNP rs374081110, ClinGen allele CA60969122.